The following is an entry in ClinVar:

NM_001360.3(DHCR7):c.438T>C (p.Asn146=)

Gene: DHCR7 (7-dehydrocholesterol reductase; minus strand). Cytogenetic location: 11q13.4.
Variant type: single nucleotide variant.
Coding change: c.438T>C on transcript NM_001360.3 (MANE Select); coding-DNA position 438, T replaced by C.
Protein change: p.Asn146=; no amino-acid change (asparagine 146 retained).
Molecular consequence: synonymous variant.
Genome position (GRCh38, 1-based): chr11:71,441,415, A>G on the plus strand (T>C on the coding strand, the complement: DHCR7 is on the minus strand). VCF-style: chr11-71441415-A-G. GRCh37 (hg19) VCF-style: chr11-71152461-A-G.
Other names: p.Asn146Asn; p.Asn146=; c.438T>C, p.Asn146= (NM_001163817.2).
Identifiers: ClinVar variation 93719 (VCV000093719.44), dbSNP rs949177, ClinGen allele CA147249.

ClinVar aggregate classification (germline): Benign. Review status: criteria provided, multiple submitters, no conflicts (2 of 4 stars). 18 submissions from 18 submitters: Benign (15). 3 of the submissions do not count toward it. Last evaluated 2026-02-04.

Conditions:
Smith-Lemli-Opitz syndrome (SLOS). Also called: 7-Dehydrocholesterol reductase deficiency; LETHAL ACRODYSGENITAL SYNDROME; POLYDACTYLY, SEX REVERSAL, RENAL HYPOPLASIA, AND UNILOBAR LUNG; RSH SYNDROME; RUTLEDGE LETHAL MULTIPLE CONGENITAL ANOMALY SYNDROME. Identifiers: Orphanet 818, MedGen C0175694, MONDO:0010035, OMIM 270400.
Inborn genetic diseases. Identifiers: MedGen C0950123, MeSH D030342.

Allele frequency attached by ClinVar (database versions not stated): 1000 Genomes Project 0.80731; 1000 Genomes Project 30x 0.80746; TOPMed 0.88523; gnomAD 0.90629; ESP Exome Variant Server 0.90999.
gnomAD v4.1: 1,490,281 of 1,613,484 alleles (92%); highest among the groups gnomAD compares: Non-Finnish European, 96%; 693,364 homozygotes.

Submissions (18):

Labcorp Genetics (formerly Invitae), Labcorp
Classification: Benign for Smith-Lemli-Opitz syndrome. Last evaluated: 2026-02-04. Review status: criteria provided, single submitter. Criteria: Invitae Variant Classification Sherloc (09022015). Collection method: clinical testing. Allele origin: germline.

Blueprint Genetics
Classification: Benign. Last evaluated: 2024-11-27. Review status: criteria provided, single submitter. Criteria: ACMG Guidelines, 2015. Collection method: clinical testing. Allele origin: germline.

Mayo Clinic Laboratories, Mayo Clinic
Classification: Benign. Last evaluated: 2022-05-05. Review status: criteria provided, single submitter. Criteria: ACMG Guidelines, 2015. Collection method: clinical testing. Allele origin: germline. Observed: 626 variant alleles.

ARUP Laboratories, Molecular Genetics and Genomics, ARUP Laboratories
Classification: Benign for Smith-Lemli-Opitz syndrome. Last evaluated: 2021-10-05. Review status: criteria provided, single submitter. Criteria: ARUP Molecular Germline Variant Investigation Process 2021. Collection method: clinical testing. Allele origin: germline.

Fulgent Genetics
Classification: Benign for Smith-Lemli-Opitz syndrome. Last evaluated: 2021-08-02. Review status: criteria provided, single submitter. Criteria: ACMG Guidelines, 2015. Collection method: clinical testing. Allele origin: unknown.

Genome-Nilou Lab
Classification: Benign for Smith-Lemli-Opitz syndrome. Last evaluated: 2021-07-01. Review status: criteria provided, single submitter. Criteria: ACMG Guidelines, 2015. Collection method: clinical testing. Allele origin: germline. Affected: no.

Eurofins Ntd Llc (ga)
Classification: Benign. Last evaluated: 2018-06-06. Review status: criteria provided, single submitter. Criteria: EGL ClinVar v180209 classification definitions. Collection method: clinical testing. Allele origin: germline. Observed: 29 variant alleles, 5 heterozygotes, 24 homozygotes.

Illumina Laboratory Services, Illumina
Classification: Benign for Smith-Lemli-Opitz syndrome. Last evaluated: 2018-03-06. Review status: criteria provided, single submitter. Criteria: ICSL Variant Classification Criteria 13 December 2019. Collection method: clinical testing. Allele origin: germline.
Comment: This variant was observed in the ICSL laboratory as part of a predisposition screen in an ostensibly healthy population. It had not been previously curated by ICSL or reported in the Human Gene Mutation Database (HGMD: prior to June 1st, 2018), and was therefore a candidate for classification through an automated scoring system. Utilizing variant allele frequency, disease prevalence and penetrance estimates, and inheritance mode, an automated score was calculated to assess if this variant is too frequent to cause the disease. Based on the score and internal cut-off values, a variant classified as benign is not then subjected to further curation. The score for this variant resulted in a classification of benign for this disease.

Athena Diagnostics
Classification: Benign for Smith-Lemli-Opitz syndrome. Last evaluated: 2017-05-08. Review status: criteria provided, single submitter. Criteria: Athena Diagnostics Criteria. Collection method: clinical testing. Allele origin: germline.

Laboratory for Molecular Medicine, Mass General Brigham Personalized Medicine
Classification: Benign. Last evaluated: 2016-03-21. Review status: criteria provided, single submitter. Criteria: LMM Criteria. Collection method: clinical testing. Allele origin: germline. Observed: 1 variant allele.
Comment: p.Asn146Asn in exon 6 of DHCR7: This variant is not expected to have clinical si gnificance because it does not alter an amino acid residue, is not located withi n the splice consensus sequence, and has been identified in 94.35% (62491/66236) of European chromosomes by the Exome Aggregation Consortium (ExAC.; dbSNP rs949177).

Ambry Genetics
Classification: Benign for Inborn genetic diseases. Last evaluated: 2016-03-11. Review status: criteria provided, single submitter. Criteria: Ambry Variant Classification Scheme 2023. Collection method: clinical testing. Allele origin: germline.

GeneDx
Classification: Benign. Last evaluated: 2015-03-03. Review status: criteria provided, single submitter. Criteria: GeneDx Variant Classification Process June 2021. Collection method: clinical testing. Allele origin: germline. Affected: yes.

Genome Diagnostics Laboratory, University Medical Center Utrecht
Classification: Benign for Smith-Lemli-Opitz syndrome. Last evaluated: 2014-10-10. Review status: criteria provided, single submitter. Criteria: ACGS Guidelines, 2013. Collection method: clinical testing. Allele origin: germline. Affected: yes. Study: VKGL Data-share Consensus.

Breakthrough Genomics
Classification: Benign. Review status: criteria provided, single submitter. Criteria: ACMG Guidelines, 2015. Collection method: not provided. Allele origin: germline. Inheritance: Autosomal recessive inheritance. Affected: yes.

PreventionGenetics, part of Exact Sciences
Classification: Benign. Review status: criteria provided, single submitter. Criteria: ACMG Guidelines, 2015. Collection method: clinical testing. Allele origin: germline.

Natera, Inc.
Classification: Benign for Smith-Lemli-Opitz syndrome. Last evaluated: 2017-05-05. Review status: no assertion criteria provided. Collection method: clinical testing. Allele origin: germline. Not counted in ClinVar's aggregate classification.

Diagnostic Laboratory, Department of Genetics, University Medical Center Groningen
Classification: Benign for Smith-Lemli-Opitz syndrome. Review status: no assertion criteria provided. Collection method: clinical testing. Allele origin: germline. Affected: yes. Study: VKGL Data-share Consensus. Not counted in ClinVar's aggregate classification.

Joint Genome Diagnostic Labs from Nijmegen and Maastricht, Radboudumc and MUMC+
Classification: Benign. Review status: no assertion criteria provided. Collection method: clinical testing. Allele origin: germline. Affected: yes. Study: VKGL Data-share Consensus. Not counted in ClinVar's aggregate classification.